The following is an entry in ClinVar:

ClinVar aggregate classification (germline): Likely pathogenic. Review status: criteria provided, multiple submitters, no conflicts (2 of 4 stars). 2 submissions from 2 submitters: Likely pathogenic (2). Last evaluated 2024-04-11.

Conditions:
Familial dysautonomia. Also called: FD; HSAN III. Identifiers: Orphanet 1764, MedGen C0013364, MONDO:0009131, OMIM 223900. Disease mechanism: loss of function.
Medulloblastoma (MDB). Also called: Medulloblastoma, somatic; MEDULLOBLASTOMA PREDISPOSITION SYNDROME. Identifiers: Orphanet 616, MedGen C0025149, MeSH D008527, MONDO:0007959, OMIM 155255, HP:0002885.

Submissions (2):

Fulgent Genetics
Classification: Likely pathogenic for Medulloblastoma; Familial dysautonomia. Last evaluated: 2024-04-11. Review status: criteria provided, single submitter. Criteria: ACMG Guidelines, 2015. Collection method: clinical testing. Allele origin: germline.

Women's Health and Genetics/Laboratory Corporation of America, LabCorp
Classification: Likely pathogenic for Familial dysautonomia. Last evaluated: 2024-04-02. Review status: criteria provided, single submitter. Criteria: LabCorp Variant Classification Summary - May 2015. Collection method: clinical testing. Allele origin: germline.
Comment: Variant summary: ELP1 c.3855+2T>A is located in a canonical splice-site and is predicted to affect mRNA splicing resulting in a significantly altered protein due to either exon skipping, shortening, or inclusion of intronic material. Several computational tools predict a significant impact on normal splicing: Four predict the variant abolishes a 5' splicing donor site. However, these predictions have yet to be confirmed by functional studies. The variant was absent in 31408 control chromosomes. To our knowledge, no occurrence of c.3855+2T>A in individuals affected with Familial Dysautonomia and no experimental evidence demonstrating its impact on protein function have been reported. No submitters have cited clinical-significance assessments for this variant to ClinVar. Based on the evidence outlined above, the variant was classified as likely pathogenic.

NM_003640.5(ELP1):c.3855+2T>A

Gene: ELP1 (elongator acetyltransferase complex subunit 1; minus strand). Cytogenetic location: 9q31.3.
Variant type: single nucleotide variant.
Coding change: c.3855+2T>A on transcript NM_003640.5 (MANE Select); the canonical splice donor site of the intron after coding-DNA position 3855, T replaced by A.
Molecular consequence: splice donor variant.
Genome position (GRCh38, 1-based): chr9:108,877,993, A>T on the plus strand (T>A on the coding strand, the complement: ELP1 is on the minus strand). VCF-style: chr9-108877993-A-T. GRCh37 (hg19) VCF-style: chr9-111640273-A-T.
Other names: c.3513+2T>A (NM_001318360.2); c.2808+2T>A (NM_001330749.2).
Identifiers: ClinVar variation 3251590 (VCV003251590.2), dbSNP rs2118933859.